The following is an entry in ClinVar:

ClinVar aggregate classification (germline): Uncertain significance. Review status: criteria provided, multiple submitters, no conflicts (2 of 4 stars). 2 submissions from 2 submitters: Uncertain significance (2). Last evaluated 2025-05-04.

Conditions:
Inborn genetic diseases. Identifiers: MedGen C0950123, MeSH D030342.
PAX5-related disorder. Also called: PAX5-related condition.

Allele frequency attached by ClinVar (database versions not stated): TOPMed below 0.00001; gnomAD 0.00001.
gnomAD v4.1: 1 of 1,611,404 alleles (0.000062%); highest among the groups gnomAD compares: Non-Finnish European, 0.000085%; no homozygotes.

Submissions (2):

Ambry Genetics
Classification: Uncertain significance for Inborn genetic diseases. Last evaluated: 2025-05-04. Review status: criteria provided, single submitter. Criteria: Ambry Variant Classification Scheme 2023. Collection method: clinical testing. Allele origin: germline.
Comment: The p.S191G variant (also known as c.571A>G), located in coding exon 5 of the PAX5 gene, results from an A to G substitution at nucleotide position 571. The serine at codon 191 is replaced by glycine, an amino acid with similar properties. This amino acid position is conserved. In addition, the in silico prediction for this alteration is inconclusive. Based on the available evidence, the clinical significance of this variant remains unclear.

PreventionGenetics, part of Exact Sciences
Classification: Uncertain significance for PAX5-related condition. Last evaluated: 2022-12-02. Review status: criteria provided, single submitter. Criteria: ACMG Guidelines, 2015. Collection method: clinical testing. Allele origin: germline.
Comment: The PAX5 c.571A>G variant is predicted to result in the amino acid substitution p.Ser191Gly. To our knowledge, this variant has not been reported in the literature or in a large population database, indicating this variant is rare. At this time, the clinical significance of this variant is uncertain due to the absence of conclusive functional and genetic evidence.

NM_016734.3(PAX5):c.571A>G (p.Ser191Gly)

Genes: PAX5 (paired box 5; minus strand), LOC105376032 (uncharacterized LOC105376032; plus strand). Cytogenetic location: 9p13.2.
Variant type: single nucleotide variant.
Coding change: c.571A>G on transcript NM_016734.3 (MANE Select); coding-DNA position 571, A replaced by G.
Protein change: p.Ser191Gly; replaces serine 191 with glycine.
Molecular consequence: missense variant. On other transcripts: non-coding transcript variant (2), intron variant (2).
Genome position (GRCh38, 1-based): chr9:37,002,681, T>C on the plus strand (A>G on the coding strand, the complement: PAX5 is on the minus strand). VCF-style: chr9-37002681-T-C. GRCh37 (hg19) VCF-style: chr9-37002678-T-C.
Other names: c.571A>G, p.Ser191Gly (NM_001280547.2, NM_001280548.2, NM_001280549.2 and 2 more transcripts); c.247A>G, p.Ser83Gly (NM_001280551.2, NM_001280556.2); c.373A>G, p.Ser125Gly (NM_001280555.2); c.475+3792A>G (NM_001280553.2, NM_001280554.2); c.571A>G (NM_016734.1); short protein forms S125G, S191G, S83G.
Identifiers: ClinVar variation 2635250 (VCV002635250.2), dbSNP rs1281206816, ClinGen allele CA373487358.